The following is an entry in ClinVar:

NM_007294.4(BRCA1):c.5552A>T (p.Asp1851Val)

Gene: BRCA1 (BRCA1 DNA repair associated; minus strand). Cytogenetic location: 17q21.31.
Variant type: single nucleotide variant.
Coding change: c.5552A>T on transcript NM_007294.4 (MANE Select); coding-DNA position 5552, A replaced by T.
Protein change: p.Asp1851Val; replaces aspartic acid 1851 with valine.
Molecular consequence: missense variant. On other transcripts: 3 prime UTR variant (1), non-coding transcript variant (1).
Genome position (GRCh38, 1-based): chr17:43,045,718, T>A on the plus strand (A>T on the coding strand, the complement: BRCA1 is on the minus strand). VCF-style: chr17-43045718-T-A. GRCh37 (hg19) VCF-style: chr17-41197735-T-A.
Other names: c.5408A>T, p.Asp1803Val (NM_001407752.1, NM_001407733.1, NM_001407734.1 and 18 more transcripts); c.5405A>T, p.Asp1802Val (NM_001407838.1, NM_001407839.1, NM_001407841.1 and 12 more transcripts); c.5495A>T, p.Asp1832Val (NM_001407648.1); c.5492A>T, p.Asp1831Val (NM_001407649.1); c.5474A>T, p.Asp1825Val (NM_001407652.1, NM_001407653.1, NM_001407654.1 and 1 more transcripts); c.5471A>T, p.Asp1824Val (NM_001407656.1, NM_001407657.1, NM_001407658.1); c.5468A>T, p.Asp1823Val (NM_001407659.1, NM_001407660.1, NM_001407661.1 and 2 more transcripts); c.5429A>T, p.Asp1810Val (NM_001407669.1, NM_001407664.1, NM_001407665.1 and 3 more transcripts); and 74 more; short protein forms D1804V, D1851V, D747V, D1872V, D1555V, D1767V, D1779V, D1781V.
Identifiers: ClinVar variation 868660 (VCV000868660.11), dbSNP rs2050862656, ClinGen allele CA10590215.

ClinVar aggregate classification (germline): Uncertain significance (1 of 4 stars; one submission).

Conditions:
Hereditary breast ovarian cancer syndrome. Also called: Hereditary breast and ovarian cancer; Hereditary breast and ovarian cancer syndrome (HBOC); Breast and ovarian cancer; Hereditary breast and/or ovarian cancer syndrome; BRCA1- and BRCA2-Associated Hereditary Breast and Ovarian Cancer; Hereditary breast and ovarian cancer syndrome. Identifiers: Orphanet 145, MedGen C0677776, MeSH D061325, MONDO:0003582. Disease mechanism: loss of function.

Submissions (2):

Labcorp Genetics (formerly Invitae), Labcorp
Classification: Uncertain significance for Hereditary breast ovarian cancer syndrome. Last evaluated: 2024-04-27. Review status: criteria provided, single submitter. Criteria: Invitae Variant Classification Sherloc (09022015). Collection method: clinical testing. Allele origin: germline.
Comment: This sequence change replaces aspartic acid, which is acidic and polar, with valine, which is neutral and non-polar, at codon 1851 of the BRCA1 protein (p.Asp1851Val). This variant is not present in population databases (gnomAD no frequency). This variant has not been reported in the literature in individuals affected with BRCA1-related conditions. ClinVar contains an entry for this variant (Variation ID: 868660). Advanced modeling performed at Invitae incorporating data from internal and/or published experimental studies (PMID: 30209399) did not meet the statistical confidence thresholds required to predict the impact of this variant on BRCA1 function. Experimental studies have shown that this missense change does not substantially affect BRCA1 function (PMID: 30209399). In summary, the available evidence is currently insufficient to determine the role of this variant in disease. Therefore, it has been classified as a Variant of Uncertain Significance.

Brotman Baty Institute, University of Washington
No classification provided (evidence only). Condition: Breast-ovarian cancer, familial 1. Review status: no classification provided. Collection method: in vitro. Allele origin: not applicable. Functional consequence: functionally_normal. Not counted in ClinVar's aggregate classification.
ClinVar note: "not provided" was previously submitted as the classification for the variant. However, the classification appeared to be based only on an observation of functional data so it was converted to no classification on 2025-07-30.

Literature cited by the submitters: PubMed 30209399 (cited by Labcorp Genetics (formerly Invitae), Labcorp).